The following is an entry in ClinVar:

ClinVar aggregate classification (germline): Likely benign. Review status: criteria provided, single submitter (1 of 4 stars). 2 submissions from 2 submitters: Likely benign (1). 1 of the submissions does not count toward it. Last evaluated 2026-04-01.

Conditions:
CYP2B6-related disorder. Also called: CYP2B6-related condition.

Allele frequency attached by ClinVar (database versions not stated): 1000 Genomes Project 30x 0.00016; 1000 Genomes Project 0.00020; TOPMed 0.00035; ExAC 0.00050; ESP Exome Variant Server 0.00054; gnomAD exomes 0.00056; gnomAD 0.00057.
gnomAD v4.1: 929 of 1,613,980 alleles (0.058%); highest among the groups gnomAD compares: Non-Finnish European, 0.054%; no homozygotes.

Submissions (2):

CeGaT Center for Human Genetics Tuebingen
Classification: Likely benign. Last evaluated: 2026-04-01. Review status: criteria provided, single submitter. Criteria: CeGaT Center For Human Genetics Tuebingen Variant Classification Criteria Version 2. Collection method: clinical testing. Allele origin: germline. Affected: yes. Observed: 1 variant allele.
Comment: CYP2B6: BP4, BP7

PreventionGenetics, part of Exact Sciences
Classification: Likely benign for CYP2B6-related condition. Last evaluated: 2019-11-25. Review status: no assertion criteria provided. Collection method: clinical testing. Allele origin: germline. Not counted in ClinVar's aggregate classification.
Comment: This variant is classified as likely benign based on ACMG/AMP sequence variant interpretation guidelines (Richards et al. 2015 PMID: 25741868, with internal and published modifications).

NM_000767.5(CYP2B6):c.54C>A (p.Leu18=)

Gene: CYP2B6 (cytochrome P450 family 2 subfamily B member 6; plus strand). Cytogenetic location: 19q13.2.
Variant type: single nucleotide variant.
Coding change: c.54C>A on transcript NM_000767.5 (MANE Select); coding-DNA position 54, C replaced by A.
Protein change: p.Leu18=; no amino-acid change (leucine 18 retained).
Molecular consequence: synonymous variant.
Genome position (GRCh38, 1-based): chr19:40,991,359, C>A. VCF-style: chr19-40991359-C-A. GRCh37 (hg19) VCF-style: chr19-41497264-C-A.
Identifiers: ClinVar variation 3048896 (VCV003048896.4), dbSNP rs150742423, ClinGen allele CA9455023.